The following is an entry in ClinVar:

NM_002168.4(IDH2):c.807dup (p.Phe270fs)

Gene: IDH2 (isocitrate dehydrogenase (NADP(+)) 2; minus strand). Cytogenetic location: 15q26.1.
Variant type: Duplication.
Coding change: c.807dup on transcript NM_002168.4 (MANE Select); coding-DNA position 807, one base duplicated (C; older notation c.807dupC).
Protein change: p.Phe270fs; shifts the reading frame from phenylalanine 270.
Molecular consequence: frameshift variant.
Genome position (GRCh38, 1-based): chr15:90,087,447, G duplicated on the plus strand (C on the coding strand, the reverse complement: IDH2 is on the minus strand). VCF-style (leftmost placement, unchanged base first): chr15-90087446-A-AG. GRCh37 (hg19) VCF-style: chr15-90630678-A-AG.
Other names: c.651dup, p.Phe218fs (NM_001289910.1); c.417dup, p.Phe140fs (NM_001290114.2); short protein forms F270fs, F140fs, F218fs.
Identifiers: ClinVar variation 2128222 (VCV002128222.4), dbSNP rs1329635808, ClinGen allele CA619859359.

ClinVar aggregate classification (germline): Uncertain significance (1 of 4 stars; one submission).

Conditions:
D-2-hydroxyglutaric aciduria 2 (D2HGA2). Identifiers: Orphanet 79315, MedGen C3150909, MONDO:0013345, OMIM 613657.

Allele frequency attached by ClinVar (database versions not stated): gnomAD exomes below 0.00001.

Submission:

Labcorp Genetics (formerly Invitae), Labcorp
Classification: Uncertain significance for D-2-hydroxyglutaric aciduria 2. Last evaluated: 2024-07-31. Review status: criteria provided, single submitter. Criteria: Invitae Variant Classification Sherloc (09022015). Collection method: clinical testing. Allele origin: germline.
Comment: This sequence change creates a premature translational stop signal (p.Phe270Leufs*2) in the IDH2 gene. It is expected to result in an absent or disrupted protein product. However, the current clinical and genetic evidence is not sufficient to establish whether loss-of-function variants in IDH2 cause disease. This variant is present in population databases (no rsID available, gnomAD 0.006%). This variant has not been reported in the literature in individuals affected with IDH2-related conditions. ClinVar contains an entry for this variant (Variation ID: 2128222). In summary, the available evidence is currently insufficient to determine the role of this variant in disease. Therefore, it has been classified as a Variant of Uncertain Significance.